The following is an entry in ClinVar:

NM_001377265.1(MAPT):c.2185G>A (p.Val729Met)

Gene: MAPT (microtubule associated protein tau). Cytogenetic location: 17q21.31.
Variant type: single nucleotide variant.
Coding change: c.2185G>A on transcript NM_001377265.1 (MANE Select); coding-DNA position 2185, G replaced by A.
Protein change: p.Val729Met; replaces valine 729 with methionine.
Molecular consequence: missense variant. On other transcripts: non-coding transcript variant (1), intron variant (1).
Genome position (GRCh38, 1-based): chr17:46,018,629, G>A. VCF-style: chr17-46018629-G-A. GRCh37 (hg19) VCF-style: chr17-44095995-G-A.
Other names: c.2014G>A, p.Val672Met (NM_001123066.4); c.922G>A, p.Val308Met (NM_001123067.4); c.829G>A, p.Val277Met (NM_001203251.2); c.916G>A, p.Val306Met (NM_001203252.2); c.1894G>A, p.Val632Met (NM_001377266.1); c.742G>A, p.Val248Met (NM_001377268.1, NM_016841.5); c.1009G>A, p.Val337Met (NM_005910.6); c.835G>A, p.Val279Met (NM_016834.5); and 2 more; short protein forms V337M, V654M, V306M, V308M, V279M, V248M, V277M, V672M.
Identifiers: ClinVar variation 14252 (VCV000014252.13), dbSNP rs63750570, ClinGen allele CA225483.

ClinVar aggregate classification (germline): Pathogenic. Review status: criteria provided, multiple submitters, no conflicts (2 of 4 stars). 4 submissions from 4 submitters: Pathogenic (2). 2 of the submissions do not count toward it. Last evaluated 2025-01-27.

Conditions:
Frontotemporal dementia (FTD1). Also called: Frontotemporal lobe dementia (FLDEM); FRONTOTEMPORAL DEMENTIA WITH PARKINSONISM; FRONTOTEMPORAL LOBE DEMENTIA; WILHELMSEN-LYNCH DISEASE; FRONTOTEMPORAL LOBAR DEGENERATION WITH TAU INCLUSIONS; FTLD WITH TAU INCLUSIONS. Identifiers: Orphanet 282, MedGen C0338451, MONDO:0017276, OMIM 600274, HP:0002145.

Submissions (4):

GeneDx
Classification: Pathogenic. Last evaluated: 2025-01-27. Review status: criteria provided, single submitter. Criteria: GeneDx Variant Classification Process June 2021. Collection method: clinical testing. Allele origin: germline. Affected: yes.
Comment: Not observed at significant frequency in large population cohorts (gnomAD); In silico analysis supports that this missense variant has a deleterious effect on protein structure/function; This variant is associated with the following publications: (PMID: 21849646, 23043292, 18803694, 18992292, 20377816, 26581847, 29282277, 37431188, 35790423, 11756436, 11756496, 9629852, 28130473, 38872230, 31640778, 11102510, 11402146, 31542321, 34305575, 23721814, 26990251, 26143746, 11255441, 8673924, 23487739, 19304664)

Labcorp Genetics (formerly Invitae), Labcorp
Classification: Pathogenic for Frontotemporal dementia. Last evaluated: 2020-11-18. Review status: criteria provided, single submitter. Criteria: Invitae Variant Classification Sherloc (09022015). Collection method: clinical testing. Allele origin: germline.
Comment: This sequence change replaces valine with methionine at codon 337 of the MAPT protein (p.Val337Met). The valine residue is highly conserved and there is a small physicochemical difference between valine and methionine. This variant has been reported to affect MAPT protein function (PMID: 20377816, 11756496). This variant has been observed in individual(s) with frontotemporal dementia (PMID: 9629852, 28130473). It has also been observed to segregate with disease in related individuals. This variant is also known as Val279Met in the literature. ClinVar contains an entry for this variant (Variation ID: 14252). This variant is not present in population databases (ExAC no frequency). For these reasons, this variant has been classified as Pathogenic.

OMIM
Classification: Pathogenic for FRONTOTEMPORAL DEMENTIA 1. Last evaluated: 2001-03-01. Review status: no assertion criteria provided. Collection method: literature only. Allele origin: germline. Not counted in ClinVar's aggregate classification.

VIB  Department of Molecular Genetics, University of Antwerp
No classification provided. Review status: no classification provided. Collection method: not provided. Allele origin: not provided. Not counted in ClinVar's aggregate classification.

Literature cited by the submitters: PubMed 20377816 (cited by Labcorp Genetics (formerly Invitae), Labcorp); PubMed 11756496 (cited by Labcorp Genetics (formerly Invitae), Labcorp); PubMed 9629852 (cited by Labcorp Genetics (formerly Invitae), Labcorp and OMIM); PubMed 28130473 (cited by Labcorp Genetics (formerly Invitae), Labcorp); PubMed 11255441 (cited by OMIM); PubMed 11402146 (cited by OMIM); PubMed 8673924 (cited by OMIM); PubMed 31542321 (cited by OMIM).